The following is an entry in ClinVar:

NM_016219.5(MAN1B1):c.1028A>G (p.Tyr343Cys)

Gene: MAN1B1 (mannosidase alpha class 1B member 1; plus strand). Cytogenetic location: 9q34.3.
Variant type: single nucleotide variant.
Coding change: c.1028A>G on transcript NM_016219.5 (MANE Select); coding-DNA position 1028, A replaced by G.
Protein change: p.Tyr343Cys; replaces tyrosine 343 with cysteine.
Molecular consequence: missense variant. On other transcripts: non-coding transcript variant (2).
Genome position (GRCh38, 1-based): chr9:137,101,116, A>G. VCF-style: chr9-137101116-A-G. GRCh37 (hg19) VCF-style: chr9-139995568-A-G.
Other names: c.1028A>G (NM_016219.3); short protein forms Y343C.
Identifiers: ClinVar variation 1030540 (VCV001030540.2), dbSNP rs1038179177, ClinGen allele CA201691906.

ClinVar aggregate classification (germline): Uncertain significance. Review status: criteria provided, multiple submitters, no conflicts (2 of 4 stars). 2 submissions from 2 submitters: Uncertain significance (2). Last evaluated 2024-02-21.

Conditions:
Rafiq syndrome (RAFQS). Identifiers: Orphanet 88616, MedGen C3280127, MONDO:0013624, OMIM 614202.
Inborn genetic diseases. Identifiers: MedGen C0950123, MeSH D030342.

Allele frequency attached by ClinVar (database versions not stated): gnomAD exomes below 0.00001; TOPMed 0.00002.
gnomAD v4.1: 5 of 1,614,086 alleles (0.00031%); highest among the groups gnomAD compares: East Asian, 0.0045%; no homozygotes.

Submissions (2):

Ambry Genetics
Classification: Uncertain significance for Inborn genetic diseases. Last evaluated: 2024-02-21. Review status: criteria provided, single submitter. Criteria: Ambry Variant Classification Scheme 2023. Collection method: clinical testing. Allele origin: germline.

Baylor Genetics
Classification: Uncertain significance for Rafiq syndrome. Last evaluated: 2019-03-27. Review status: criteria provided, single submitter. Criteria: ACMG Guidelines, 2015. Collection method: clinical testing. Allele origin: maternal. Affected: yes.
Comment: This variant was determined to be of uncertain significance according to ACMG Guidelines, 2015 [PMID:25741868].